The following is an entry in ClinVar:

NM_000059.4(BRCA2):c.4913A>C (p.Lys1638Thr)

Gene: BRCA2 (BRCA2 DNA repair associated; plus strand). Cytogenetic location: 13q13.1.
Variant type: single nucleotide variant.
Coding change: c.4913A>C on transcript NM_000059.4 (MANE Select); coding-DNA position 4913, A replaced by C.
Protein change: p.Lys1638Thr; replaces lysine 1638 with threonine.
Molecular consequence: missense variant.
Genome position (GRCh38, 1-based): chr13:32,339,268, A>C. VCF-style: chr13-32339268-A-C. GRCh37 (hg19) VCF-style: chr13-32913405-A-C.
Other names: short protein forms K1638T.
Identifiers: ClinVar variation 923395 (VCV000923395.11), dbSNP rs771425987, ClinGen allele CA6940824.
Genomic context (GRCh38, chr13:32,339,268, plus strand): 5'-ATAATTTATGTAGACAAACTGAAAATCTCAAAACATCAAAAAGTATCTTTTTGAAAGTTA[A>C]AGTACATGAAAATGTAGAAAAAGAAACAGCAAAAAGTCCTGCAACTTGTTACACAAATCA-3'
Protein context (NP_000050.3, residues 1628-1648): KTSKSIFLKV[Lys1638Thr]VHENVEKETA

ClinVar aggregate classification (germline): Conflicting classifications of pathogenicity. Review status: criteria provided, conflicting classifications (1 of 4 stars). 4 submissions from 4 submitters: Uncertain significance (3); Likely benign (1). Last evaluated 2026-01-25.

Conditions:
Hereditary breast ovarian cancer syndrome. Also called: BRCA1- and BRCA2-Associated Hereditary Breast and Ovarian Cancer; Hereditary breast and ovarian cancer syndrome; Hereditary breast and ovarian cancer; Hereditary breast and ovarian cancer syndrome (HBOC); Breast and ovarian cancer; Hereditary breast and/or ovarian cancer syndrome. Identifiers: Orphanet 145, MedGen C0677776, MeSH D061325, MONDO:0003582. Disease mechanism: loss of function.
Hereditary cancer-predisposing syndrome. Also called: Neoplastic Syndromes, Hereditary; Tumor predisposition; Hereditary Cancer Syndrome; Hereditary neoplastic syndrome. Identifiers: Orphanet 140162, MedGen C0027672, MeSH D009386, MONDO:0015356.

Allele frequency attached by ClinVar (database versions not stated): ExAC 0.00001; gnomAD 0.00001.
gnomAD v4.1: 1 of 1,610,576 alleles (0.000062%); highest among the groups gnomAD compares: Admixed American, 0.0017%; no homozygotes.

Submissions (4):

Labcorp Genetics (formerly Invitae), Labcorp
Classification: Uncertain significance for Hereditary breast ovarian cancer syndrome. Last evaluated: 2026-01-25. Review status: criteria provided, single submitter. Criteria: Invitae Variant Classification Sherloc (09022015). Collection method: clinical testing. Allele origin: germline.
Comment: This sequence change replaces lysine, which is basic and polar, with threonine, which is neutral and polar, at codon 1638 of the BRCA2 protein (p.Lys1638Thr). This variant is not present in population databases (gnomAD no frequency). This variant has not been reported in the literature in individuals affected with BRCA2-related conditions. ClinVar contains an entry for this variant (Variation ID: 923395). Invitae Evidence Modeling of protein sequence and biophysical properties (such as structural, functional, and spatial information, amino acid conservation, physicochemical variation, residue mobility, and thermodynamic stability) indicates that this missense variant is not expected to disrupt BRCA2 protein function with a negative predictive value of 95%. In summary, the available evidence is currently insufficient to determine the role of this variant in disease. Therefore, it has been classified as a Variant of Uncertain Significance.

Color Diagnostics, LLC DBA Color Health
Classification: Uncertain significance for Hereditary cancer-predisposing syndrome. Last evaluated: 2024-01-30. Review status: criteria provided, single submitter. Criteria: ACMG Guidelines, 2015. Collection method: clinical testing. Allele origin: germline.
Comment: This missense variant replaces lysine with threonine at codon 1638 of the BRCA2 protein. Computational prediction tool suggests that this variant may not impact protein structure and function. To our knowledge, functional studies have not been performed for this variant. This variant has not been reported in individuals affected with BRCA2-related cancer in the literature. This variant has not been identified in the general population by the Genome Aggregation Database (gnomAD). The available evidence is insufficient to determine the role of this variant in disease conclusively. Therefore, this variant is classified as a Variant of Uncertain Significance.

University of Washington Department of Laboratory Medicine, University of Washington
Classification: Likely benign for Hereditary cancer-predisposing syndrome. Last evaluated: 2023-03-23. Review status: criteria provided, single submitter. Criteria: Dines et al. (Genet Med. 2020). Collection method: curation. Allele origin: germline.
Comment: Missense variant in a coldspot region where missense variants are very unlikely to be pathogenic (PMID:31911673).

BRCA2 exon 11 coldspot. Reclassification based on statistical prior probability.

Ambry Genetics
Classification: Uncertain significance for Hereditary cancer-predisposing syndrome. Last evaluated: 2021-11-17. Review status: criteria provided, single submitter. Criteria: Ambry Variant Classification Scheme 2023. Collection method: clinical testing. Allele origin: germline.
Comment: The p.K1638T variant (also known as c.4913A>C), located in coding exon 10 of the BRCA2 gene, results from an A to C substitution at nucleotide position 4913. The lysine at codon 1638 is replaced by threonine, an amino acid with similar properties. This amino acid position is not well conserved in available vertebrate species. In addition, this alteration is predicted to be tolerated by in silico analysis. Since supporting evidence is limited at this time, the clinical significance of this alteration remains unclear.